The following is an entry in ClinVar:

NM_014159.7(SETD2):c.4332G>A (p.Leu1444=)

Gene: SETD2 (SET domain containing 2, histone lysine methyltransferase; minus strand). Cytogenetic location: 3p21.31.
Variant type: single nucleotide variant.
Coding change: c.4332G>A on transcript NM_014159.7 (MANE Select); coding-DNA position 4332, G replaced by A.
Protein change: p.Leu1444=; no amino-acid change (leucine 1444 retained).
Molecular consequence: synonymous variant. On other transcripts: non-coding transcript variant (1).
Genome position (GRCh38, 1-based): chr3:47,120,304, C>T on the plus strand (G>A on the coding strand, the complement: SETD2 is on the minus strand). VCF-style: chr3-47120304-C-T. GRCh37 (hg19) VCF-style: chr3-47161794-C-T.
Other names: c.4200G>A, p.Leu1400= (NM_001349370.3).
Identifiers: ClinVar variation 2653746 (VCV002653746.25), dbSNP rs2107740070, ClinGen allele CA433600593.

ClinVar aggregate classification (germline): Likely benign. Review status: criteria provided, multiple submitters, no conflicts (2 of 4 stars). 2 submissions from 2 submitters: Likely benign (2). Last evaluated 2021-10-11.

Allele frequency attached by ClinVar (database versions not stated): gnomAD exomes below 0.00001.
gnomAD v4.1: 3 of 1,613,984 alleles (0.00019%); highest among the groups gnomAD compares: Non-Finnish European, 0.00025%; no homozygotes.

Submissions (2):

Blueprint Genetics
Classification: Likely benign. Last evaluated: 2021-10-11. Review status: criteria provided, single submitter. Criteria: ACMG Guidelines, 2015. Collection method: clinical testing. Allele origin: germline.

CeGaT Center for Human Genetics Tuebingen
Classification: Likely benign. Last evaluated: 2020-11-01. Review status: criteria provided, single submitter. Criteria: CeGaT Center For Human Genetics Tuebingen Variant Classification Criteria Version 2. Collection method: clinical testing. Allele origin: germline. Affected: yes. Observed: 1 variant allele.
Comment: SETD2: BP4, BP7